The following is an entry in ClinVar:

ClinVar aggregate classification (germline): Conflicting classifications of pathogenicity. Review status: criteria provided, conflicting classifications (1 of 4 stars). 3 submissions from 3 submitters: Likely pathogenic (1); Uncertain significance (2). Last evaluated 2025-03-15.

Conditions:
Cerebellar atrophy, visual impairment, and psychomotor retardation;. Also called: Cerebellar atrophy, visual impairment, and psychomotor retardation. Identifiers: MedGen C4225172, MONDO:0014811, OMIM 616875.

Allele frequency attached by ClinVar (database versions not stated): ExAC 0.00002; gnomAD exomes below 0.00001.
gnomAD v4.1: 2 of 1,614,138 alleles (0.00012%); highest among the groups gnomAD compares: East Asian, 0.0045%; no homozygotes.

Submissions (3):

Labcorp Genetics (formerly Invitae), Labcorp
Classification: Uncertain significance. Last evaluated: 2025-03-15. Review status: criteria provided, single submitter. Criteria: Invitae Variant Classification Sherloc (09022015). Collection method: clinical testing. Allele origin: germline.
Comment: This sequence change replaces glycine, which is neutral and non-polar, with valine, which is neutral and non-polar, at codon 767 of the EMC1 protein (p.Gly767Val). This variant is present in population databases (rs766820627, gnomAD 0.03%). This variant has not been reported in the literature in individuals affected with EMC1-related conditions. ClinVar contains an entry for this variant (Variation ID: 2441217). Invitae Evidence Modeling of protein sequence and biophysical properties (such as structural, functional, and spatial information, amino acid conservation, physicochemical variation, residue mobility, and thermodynamic stability) indicates that this missense variant is expected to disrupt EMC1 protein function with a positive predictive value of 80%. Algorithms developed to predict the effect of sequence changes on RNA splicing suggest that this variant may disrupt the consensus splice site. In summary, the available evidence is currently insufficient to determine the role of this variant in disease. Therefore, it has been classified as a Variant of Uncertain Significance.

Revvity Omics, Revvity
Classification: Uncertain significance for Cerebellar atrophy, visual impairment, and psychomotor retardation;. Last evaluated: 2021-10-19. Review status: criteria provided, single submitter. Criteria: ACMG Guidelines, 2015. Collection method: clinical testing. Allele origin: germline.

Juno Genomics, Hangzhou Juno Genomics, Inc
Classification: Likely pathogenic for Cerebellar atrophy, visual impairment, and psychomotor retardation;. Review status: criteria provided, single submitter. Criteria: ACMG Guidelines, 2015. Collection method: clinical testing. Allele origin: germline. Affected: yes.
Comment: Absent from controls (or at extremely low frequency if recessive) in Genome Aggregation Database, Exome Sequencing Project, 1000 Genomes Project, or Exome Aggregation Consortium.;Multiple lines of computational evidence support a deleterious effect on the gene or gene product (conservation, evolutionary, splicing impact, etc).;Patient's phenotype or family history is highly specific for a disease with a single genetic etiology.;For recessive disorders, detected in trans with a pathogenic variant.

NM_015047.3(EMC1):c.2300G>T (p.Gly767Val)

Genes: EMC1 (ER membrane protein complex subunit 1; minus strand), EMC1-AS1 (EMC1 antisense RNA 1; plus strand). Cytogenetic location: 1p36.13.
Variant type: single nucleotide variant.
Coding change: c.2300G>T on transcript NM_015047.3 (MANE Select); coding-DNA position 2300, G replaced by T.
Protein change: p.Gly767Val; replaces glycine 767 with valine.
Molecular consequence: missense variant.
Genome position (GRCh38, 1-based): chr1:19,223,472, C>A on the plus strand (G>T on the coding strand, the complement: EMC1 is on the minus strand). VCF-style: chr1-19223472-C-A. GRCh37 (hg19) VCF-style: chr1-19549966-C-A.
Other names: c.2297G>T, p.Gly766Val (NM_001271427.2, NM_001271428.2); c.2234G>T, p.Gly745Val (NM_001271429.2); c.2309G>T, p.Gly770Val (NM_001375820.1); c.2306G>T, p.Gly769Val (NM_001375821.1); short protein forms G745V, G766V, G767V, G769V, G770V.
Identifiers: ClinVar variation 2441217 (VCV002441217.6), dbSNP rs766820627, ClinGen allele CA652327.